The following is an entry in ClinVar:

ClinVar aggregate classification (germline): not provided (0 of 4 stars; one submission).

Allele frequency attached by ClinVar (database versions not stated): gnomAD 0.00021 and 0.00031; gnomAD exomes 0.00024 and 0.00050; TOPMed 0.00026; ExAC 0.00049; 1000 Genomes Project 30x 0.00094; 1000 Genomes Project 0.00120.
gnomAD v4.1: 407 of 1,612,772 alleles (0.025%); highest among the groups gnomAD compares: East Asian, 0.77%; 5 homozygotes.

Submission:

ITMI
No classification provided. Condition: AllHighlyPenetrant. Last evaluated: 2013-09-19. Review status: no classification provided. Collection method: reference population. Allele origin: germline.
Comment: Please see associated publication for description of ethnicities

Literature cited by the submitters: PubMed 24728327.

NM_001198.4(PRDM1):c.1400C>T (p.Pro467Leu)

Gene: PRDM1 (PR/SET domain 1; plus strand). Cytogenetic location: 6q21.
Variant type: single nucleotide variant.
Coding change: c.1400C>T on transcript NM_001198.4 (MANE Select); coding-DNA position 1400, C replaced by T.
Protein change: p.Pro467Leu; replaces proline 467 with leucine.
Molecular consequence: missense variant.
Genome position (GRCh38, 1-based): chr6:106,105,560, C>T. VCF-style: chr6-106105560-C-T. GRCh37 (hg19) VCF-style: chr6-106553435-C-T.
Other names: c.998C>T, p.Pro333Leu (NM_182907.3); short protein forms P467L, P333L.
Identifiers: ClinVar variation 135084 (VCV000135084.1), dbSNP rs77256382, ClinGen allele CA161634.
Genomic context (GRCh38, chr6:106,105,560, plus strand): 5'-ACAGCAATCTCCTCGGTGGGGGCAGCCTGCCCCACCCCATGCTCAACCCCACTTCTCTCC[C>T]GAGCTCGCTGCCCTCAGATGGAGCCCGGAGGTTGCTCCAGCCGGAGCATCCCAGGGAGGT-3'
Protein context (NP_001189.2, residues 457-477): PHPMLNPTSL[Pro467Leu]SSLPSDGARR